The following is an entry in ClinVar:

NM_007194.4(CHEK2):c.637C>T (p.Pro213Ser)

Gene: CHEK2 (checkpoint kinase 2; minus strand). Cytogenetic location: 22q12.1.
Variant type: single nucleotide variant.
Coding change: c.637C>T on transcript NM_007194.4 (MANE Select); coding-DNA position 637, C replaced by T.
Protein change: p.Pro213Ser; replaces proline 213 with serine.
Molecular consequence: missense variant. On other transcripts: 5 prime UTR variant (2), intron variant (1).
Genome position (GRCh38, 1-based): chr22:28,719,441, G>A on the plus strand (C>T on the coding strand, the complement: CHEK2 is on the minus strand). VCF-style: chr22-28719441-G-A. GRCh37 (hg19) VCF-style: chr22-29115429-G-A.
Other names: c.766C>T, p.Pro256Ser (NM_001005735.3, NM_001438294.1); c.-27C>T (NM_001257387.3, NM_001437942.1); c.730C>T, p.Pro244Ser (NM_001438293.1, NM_001438295.1); c.637C>T, p.Pro213Ser (NM_145862.3); c.482+5445C>T (NM_001349956.3); short protein forms P256S, P213S, P244S.
Identifiers: ClinVar variation 1753161 (VCV001753161.3), dbSNP rs2146006207, ClinGen allele CA411105018.

ClinVar aggregate classification (germline): Uncertain significance (1 of 4 stars; one submission).

Conditions:
Hereditary cancer-predisposing syndrome. Also called: Neoplastic Syndromes, Hereditary; Tumor predisposition; Hereditary Cancer Syndrome; Hereditary neoplastic syndrome. Identifiers: Orphanet 140162, MedGen C0027672, MeSH D009386, MONDO:0015356.

Allele frequency attached by ClinVar (database versions not stated): gnomAD exomes below 0.00001.
gnomAD v4.1: 1 of 1,598,450 alleles (0.000063%); highest among the groups gnomAD compares: South Asian, 0.0011%; no homozygotes.

Submission:

Ambry Genetics
Classification: Uncertain significance for Hereditary cancer-predisposing syndrome. Last evaluated: 2025-09-04. Review status: criteria provided, single submitter. Criteria: Ambry Variant Classification Scheme 2023. Collection method: clinical testing. Allele origin: germline.
Comment: The p.P213S variant (also known as c.637C>T), located in coding exon 4 of the CHEK2 gene, results from a C to T substitution at nucleotide position 637. The proline at codon 213 is replaced by serine, an amino acid with similar properties. This amino acid position is highly conserved in available vertebrate species. In addition, the in silico prediction for this alteration is inconclusive. Since supporting evidence is limited at this time, the clinical significance of this alteration remains unclear.